The following is an entry in ClinVar:

ClinVar aggregate classification (germline): Conflicting classifications of pathogenicity. Review status: criteria provided, conflicting classifications (1 of 4 stars). 3 submissions from 3 submitters: Likely pathogenic (2); Uncertain significance (1). Last evaluated 2026-01-21.

Conditions:
Martsolf syndrome (MARTS). Also called: Congenital cataract with intellectual disability and hypogonadotropic hypogonadism syndrome. Identifiers: Orphanet 1387, MedGen C0796037, MONDO:0023910.
Warburg micro syndrome 2 (WARBM2). Also called: MICRO SYNDROME 2. Identifiers: Orphanet 2510, MedGen C3280214, MONDO:0013641, OMIM 614225.

Allele frequency attached by ClinVar (database versions not stated): gnomAD 0.00005 and 0.00007; TOPMed 0.00016.
gnomAD v4.1: 17 of 1,611,754 alleles (0.0011%); highest among the groups gnomAD compares: Admixed American, 0.015%; no homozygotes.

Submissions (3):

Labcorp Genetics (formerly Invitae), Labcorp
Classification: Likely pathogenic for Martsolf syndrome; Warburg micro syndrome 2. Last evaluated: 2026-01-21. Review status: criteria provided, single submitter. Criteria: Invitae Variant Classification Sherloc (09022015). Collection method: clinical testing. Allele origin: germline.
Comment: This sequence change affects an acceptor splice site in intron 8 of the RAB3GAP2 gene. It is expected to disrupt RNA splicing. Variants that disrupt the donor or acceptor splice site typically lead to a loss of protein function (PMID: 16199547), and loss-of-function variants in RAB3GAP2 are known to be pathogenic (PMID: 23420520). This variant is not present in population databases (gnomAD no frequency). This variant has not been reported in the literature in individuals affected with RAB3GAP2-related conditions. ClinVar contains an entry for this variant (Variation ID: 208607). Algorithms developed to predict the effect of sequence changes on RNA splicing suggest that this variant may disrupt the consensus splice site. In summary, the currently available evidence indicates that the variant is pathogenic, but additional data are needed to prove that conclusively. Therefore, this variant has been classified as Likely Pathogenic.

GeneDx
Classification: Uncertain significance. Last evaluated: 2020-04-29. Review status: criteria provided, single submitter. Criteria: GeneDx Variant Classification Process June 2021. Collection method: clinical testing. Allele origin: germline. Affected: yes.
Comment: Not observed in large population cohorts (Lek et al., 2016); Canonical splice site variant with an unclear effect on protein function; Has not been previously published as pathogenic or benign to our knowledge

Laboratory for Molecular Medicine, Mass General Brigham Personalized Medicine
Classification: Likely pathogenic for Warburg micro syndrome 2. Last evaluated: 2014-11-13. Review status: criteria provided, single submitter. Criteria: LMM Criteria. Collection method: clinical testing. Allele origin: germline. Inheritance: Autosomal recessive inheritance. Observed: 1 variant allele. Study: CSER-MedSeq.
Comment: The c.713-2A>G variant in RAB3GAP2 has not been previously reported in individuals with disease or in large population studies. This variant occurs in the invariant region (+/- 1,2) of the splice consensus sequence and is predicted to cause altered splicing leading to an abnormal or absent protein. Complete loss-of-function of the RAB3GAP2 gene has been previously described in several individuals with Warburg micro syndrome (Handley 2013). In summary, although additional studies are required to fully establish its clinical significance, the c.713-2A>G variant in RAB3GAP2 is likely pathogenic for Warburg micro syndrome in an autosomal recessive manner.

Literature cited by the submitters: PubMed 16199547 (cited by Labcorp Genetics (formerly Invitae), Labcorp); PubMed 23420520 (cited by Labcorp Genetics (formerly Invitae), Labcorp and Laboratory for Molecular Medicine, Mass General Brigham Personalized Medicine).

NM_012414.4(RAB3GAP2):c.713-2A>G

Gene: RAB3GAP2 (RAB3 GTPase activating non-catalytic protein subunit 2; minus strand). Cytogenetic location: 1q41.
Variant type: single nucleotide variant.
Coding change: c.713-2A>G on transcript NM_012414.4 (MANE Select); the canonical splice acceptor site of the intron before coding-DNA position 713, A replaced by G.
Molecular consequence: splice acceptor variant.
Genome position (GRCh38, 1-based): chr1:220,202,376, T>C on the plus strand (A>G on the coding strand, the complement: RAB3GAP2 is on the minus strand). VCF-style: chr1-220202376-T-C. GRCh37 (hg19) VCF-style: chr1-220375718-T-C.
Identifiers: ClinVar variation 208607 (VCV000208607.10), dbSNP rs797045103, ClinGen allele CA204576.